The following is an entry in ClinVar:

ClinVar aggregate classification (germline): Pathogenic/Likely pathogenic. Review status: criteria provided, multiple submitters, no conflicts (2 of 4 stars). 3 submissions from 3 submitters: Pathogenic (1); Likely pathogenic (2). Last evaluated 2024-08-11.

Conditions:
Cornelia de Lange syndrome 3 (CDLS3). Also called: SMC3-Related Cornelia de Lange Syndrome; CORNELIA DE LANGE SYNDROME 3 WITH OR WITHOUT MIDLINE BRAIN DEFECTS. Identifiers: Orphanet 199, MedGen C1853099, MONDO:0012555, OMIM 610759.

Submissions (3):

GeneDx
Classification: Pathogenic. Last evaluated: 2024-08-11. Review status: criteria provided, single submitter. Criteria: GeneDx Variant Classification Process June 2021. Collection method: clinical testing. Allele origin: germline. Affected: yes.
Comment: In-frame deletion of 1 amino acid in a non-repeat region predicted to critically alter the protein; Not observed at significant frequency in large population cohorts (gnomAD); In silico analysis supports a deleterious effect on protein structure/function; This variant is associated with the following publications: (PMID: 34217350, 35904121, 30158690, 37377026)

3billion
Classification: Likely pathogenic for Cornelia de Lange syndrome 3. Last evaluated: 2024-02-16. Review status: criteria provided, single submitter. Criteria: ACMG Guidelines, 2015. Collection method: clinical testing. Allele origin: germline. Affected: yes.
Comment: The variant is not observed in the gnomAD v2.1.1 dataset. Predicted Consequence/Location: Inframe deletion located in a nonrepeat region: predicted to change the length of the protein and disrupt normal protein function. The variant has been previously reported as de novo in a similarly affected individual (PMID: 30158690). The variant has been reported to be associated with SMC3-related disorder (ClinVar ID: VCV000523214 /PMID: 30158690). Therefore, this variant is classified as Likely pathogenic according to the recommendation of ACMG/AMP guideline.

Baylor Genetics
Classification: Likely pathogenic for Cornelia de Lange syndrome 3. Last evaluated: 2018-03-08. Review status: criteria provided, single submitter. Criteria: ACMG Guidelines, 2015. Collection method: clinical testing. Allele origin: de novo. Affected: yes. Observed: 1 variant allele.

Literature cited by the submitters: PubMed 30158690 (cited by 3billion and Baylor Genetics).

NM_005445.4(SMC3):c.1450GCT[1] (p.Ala485del)

Gene: SMC3 (structural maintenance of chromosomes 3; plus strand). Cytogenetic location: 10q25.2.
Variant type: Microsatellite.
Coding change: c.1450GCT[1] on transcript NM_005445.4 (MANE Select); one copy of the 3-base unit GCT starting at c.1450; the reference has two copies in a row; one copy, 3 bases deleted; also written c.1453_1455del.
Protein change: p.Ala485del; deletes alanine 485.
Molecular consequence: inframe deletion.
Genome position (GRCh38, 1-based): chr10:110,589,935-110,589,937, GCT deleted; deleting any 3 consecutive bases within chr10:110,589,931-110,589,937 gives the same sequence; the position shown is the placement nearest the transcript's 3' end. VCF-style (leftmost placement, unchanged base first): chr10-110589930-TTGC-T. GRCh37 (hg19) VCF-style: chr10-112349688-TTGC-T.
Other names: c.1453_1455del (NM_005445.4, NM_005445.3); short protein forms A485del.
Identifiers: ClinVar variation 523214 (VCV000523214.3), dbSNP rs1564792181, ClinGen allele CA658822530.